The following is an entry in ClinVar:

ClinVar aggregate classification (germline): Uncertain significance (1 of 4 stars; one submission).

Conditions:
Peroxisome biogenesis disorder 12A (Zellweger). Also called: Peroxisome biogenesis disorder 12A. Identifiers: Orphanet 912, MedGen C3554002, MONDO:0013951, OMIM 614886.

Allele frequency attached by ClinVar (database versions not stated): TOPMed 0.00001.
gnomAD v4.1: 6 of 1,613,966 alleles (0.00037%); highest among the groups gnomAD compares: Admixed American, 0.0017%; no homozygotes.

Submission:

Labcorp Genetics (formerly Invitae), Labcorp
Classification: Uncertain significance for Peroxisome biogenesis disorder 12A (Zellweger). Last evaluated: 2022-09-27. Review status: criteria provided, single submitter. Criteria: Invitae Variant Classification Sherloc (09022015). Collection method: clinical testing. Allele origin: germline.
Comment: This sequence change replaces glutamine, which is neutral and polar, with proline, which is neutral and non-polar, at codon 176 of the PEX19 protein (p.Gln176Pro). This variant is present in population databases (no rsID available, gnomAD 0.003%). This variant has not been reported in the literature in individuals affected with PEX19-related conditions. ClinVar contains an entry for this variant (Variation ID: 1416343). Advanced modeling of protein sequence and biophysical properties (such as structural, functional, and spatial information, amino acid conservation, physicochemical variation, residue mobility, and thermodynamic stability) performed at Invitae indicates that this missense variant is expected to disrupt PEX19 protein function. In summary, the available evidence is currently insufficient to determine the role of this variant in disease. Therefore, it has been classified as a Variant of Uncertain Significance.

NM_002857.4(PEX19):c.527A>C (p.Gln176Pro)

Gene: PEX19 (peroxisomal biogenesis factor 19; minus strand). Cytogenetic location: 1q23.2.
Variant type: single nucleotide variant.
Coding change: c.527A>C on transcript NM_002857.4 (MANE Select); coding-DNA position 527, A replaced by C.
Protein change: p.Gln176Pro; replaces glutamine 176 with proline.
Molecular consequence: missense variant. On other transcripts: non-coding transcript variant (2).
Genome position (GRCh38, 1-based): chr1:160,282,106, T>G on the plus strand (A>C on the coding strand, the complement: PEX19 is on the minus strand). VCF-style: chr1-160282106-T-G. GRCh37 (hg19) VCF-style: chr1-160251896-T-G.
Other names: c.527A>C, p.Gln176Pro (NM_001193644.1); short protein forms Q176P.
Identifiers: ClinVar variation 1416343 (VCV001416343.3), dbSNP rs1231019046, ClinGen allele CA343260172.
Genomic context (GRCh38, chr1:160,282,106, plus strand): 5'-GTGATCTCCTTCAGTGATGGGTACAGCACATCCTTGGAGAGTAGGTTCTGCATAATACTC[T>G]GCATGATGGGGAGGATGTTCCCTTCCCCATCCCCTTCGTCCATGCCTAGCCCCTCCATGG-3'
Protein context (NP_002848.1, residues 166-186): DGEGNILPIM[Gln176Pro]SIMQNLLSKD